The following is an entry in ClinVar:

NM_000089.4(COL1A2):c.2407A>G (p.Ile803Val)

Gene: COL1A2 (collagen type I alpha 2 chain; plus strand). Cytogenetic location: 7q21.3.
Variant type: single nucleotide variant.
Coding change: c.2407A>G on transcript NM_000089.4 (MANE Select); coding-DNA position 2407, A replaced by G.
Protein change: p.Ile803Val; replaces isoleucine 803 with valine.
Molecular consequence: missense variant.
Genome position (GRCh38, 1-based): chr7:94,422,960, A>G. VCF-style: chr7-94422960-A-G. GRCh37 (hg19) VCF-style: chr7-94052272-A-G.
Other names: short protein forms I803V.
Identifiers: ClinVar variation 3749470 (VCV003749470.3).

ClinVar aggregate classification (germline): Uncertain significance. Review status: criteria provided, multiple submitters, no conflicts (2 of 4 stars). 2 submissions from 2 submitters: Uncertain significance (2). Last evaluated 2025-03-26.

Conditions:
Cardiovascular phenotype. Identifiers: MedGen CN230736.
Ehlers-Danlos syndrome, classic type, 1 (EDSCL1). Also called: EHLERS-DANLOS SYNDROME, GRAVIS TYPE; EHLERS-DANLOS SYNDROME, SEVERE CLASSIC TYPE; Ehlers-Danlos syndrome, type 1; Ehlers-Danlos Syndrome, Classic Type, COL5A1-Related; EDS I. Identifiers: MedGen C0268335, MONDO:0019567, OMIM 130000.
Osteogenesis imperfecta type I (OI1). Also called: OI, TYPE I; OSTEOGENESIS IMPERFECTA TARDA; OSTEOGENESIS IMPERFECTA WITH BLUE SCLERAE; Osteogenesis imperfecta type 1; Lobstein's Disease; Lobstein disease. Identifiers: Orphanet 216796, Orphanet 666, MedGen C0023931, MONDO:0008146, OMIM 166200. Disease mechanism: loss of function.

gnomAD v4.1: 1 of 1,614,022 alleles (0.000062%); highest among the groups gnomAD compares: Non-Finnish European, 0.000085%; no homozygotes.

Submissions (2):

Ambry Genetics
Classification: Uncertain significance for Cardiovascular phenotype. Last evaluated: 2025-03-26. Review status: criteria provided, single submitter. Criteria: Ambry Variant Classification Scheme 2023. Collection method: clinical testing. Allele origin: germline.
Comment: The p.I803V variant (also known as c.2407A>G), located in coding exon 40 of the COL1A2 gene, results from an A to G substitution at nucleotide position 2407. The isoleucine at codon 803 is replaced by valine, an amino acid with highly similar properties. This amino acid position is well conserved in available vertebrate species. In addition, the in silico prediction for this alteration is inconclusive. Based on the available evidence, the clinical significance of this variant remains unclear.

Labcorp Genetics (formerly Invitae), Labcorp
Classification: Uncertain significance for Osteogenesis imperfecta type I; Ehlers-Danlos syndrome, classic type, 1. Last evaluated: 2024-07-02. Review status: criteria provided, single submitter. Criteria: Invitae Variant Classification Sherloc (09022015). Collection method: clinical testing. Allele origin: germline.
Comment: This sequence change replaces isoleucine, which is neutral and non-polar, with valine, which is neutral and non-polar, at codon 803 of the COL1A2 protein (p.Ile803Val). This variant is not present in population databases (gnomAD no frequency). This variant has not been reported in the literature in individuals affected with COL1A2-related conditions. Advanced modeling of protein sequence and biophysical properties (such as structural, functional, and spatial information, amino acid conservation, physicochemical variation, residue mobility, and thermodynamic stability) performed at Invitae indicates that this missense variant is not expected to disrupt COL1A2 protein function with a negative predictive value of 95%. In summary, the available evidence is currently insufficient to determine the role of this variant in disease. Therefore, it has been classified as a Variant of Uncertain Significance.